The following is an entry in ClinVar:

NM_032816.5(CEP89):c.409G>A (p.Gly137Ser)

Gene: CEP89 (centrosomal protein 89; minus strand). Cytogenetic location: 19q13.11.
Variant type: single nucleotide variant.
Coding change: c.409G>A on transcript NM_032816.5 (MANE Select); coding-DNA position 409, G replaced by A.
Protein change: p.Gly137Ser; replaces glycine 137 with serine.
Molecular consequence: missense variant.
Genome position (GRCh38, 1-based): chr19:32,953,698, C>T on the plus strand (G>A on the coding strand, the complement: CEP89 is on the minus strand). VCF-style: chr19-32953698-C-T. GRCh37 (hg19) VCF-style: chr19-33444604-C-T.
Other names: short protein forms G137S.
Identifiers: ClinVar variation 1918553 (VCV001918553.5), dbSNP rs756192782, ClinGen allele CA9359744.

ClinVar aggregate classification (germline): Uncertain significance (1 of 4 stars; one submission).

Allele frequency attached by ClinVar (database versions not stated): gnomAD exomes 0.00001.
gnomAD v4.1: 10 of 1,614,004 alleles (0.00062%); highest among the groups gnomAD compares: Admixed American, 0.005%; no homozygotes.

Submission:

Labcorp Genetics (formerly Invitae), Labcorp
Classification: Uncertain significance. Last evaluated: 2024-10-23. Review status: criteria provided, single submitter. Criteria: Invitae Variant Classification Sherloc (09022015). Collection method: clinical testing. Allele origin: germline.
Comment: This sequence change replaces glycine, which is neutral and non-polar, with serine, which is neutral and polar, at codon 137 of the CEP89 protein (p.Gly137Ser). This variant is present in population databases (rs756192782, gnomAD 0.006%). This variant has not been reported in the literature in individuals affected with CEP89-related conditions. ClinVar contains an entry for this variant (Variation ID: 1918553). An algorithm developed to predict the effect of missense changes on protein structure and function outputs the following: PolyPhen-2: "Benign". The serine amino acid residue is found in multiple mammalian species, which suggests that this missense change does not adversely affect protein function. In summary, the available evidence is currently insufficient to determine the role of this variant in disease. Therefore, it has been classified as a Variant of Uncertain Significance.